The following is an entry in ClinVar:

NM_000136.3(FANCC):c.836C>A (p.Ser279Ter)

Genes: AOPEP (aminopeptidase O (putative); plus strand), FANCC (FA complementation group C; minus strand). Cytogenetic location: 9q22.32.
Variant type: single nucleotide variant.
Coding change: c.836C>A on transcript NM_000136.3 (MANE Select); coding-DNA position 836, C replaced by A.
Protein change: p.Ser279Ter; replaces serine 279 with a stop codon.
Molecular consequence: nonsense.
Genome position (GRCh38, 1-based): chr9:95,135,353, G>T on the plus strand (C>A on the coding strand, the complement: FANCC is on the minus strand). VCF-style: chr9-95135353-G-T. GRCh37 (hg19) VCF-style: chr9-97897635-G-T.
Other names: c.836C>A, p.Ser279Ter (NM_001243743.2, NM_001243744.2); short protein forms S279*.
Identifiers: ClinVar variation 822352 (VCV000822352.4), dbSNP rs1588134180, ClinGen allele CA374109179.

ClinVar aggregate classification (germline): Pathogenic (1 of 4 stars; one submission).

Conditions:
Hereditary cancer-predisposing syndrome. Also called: Tumor predisposition; Hereditary Cancer Syndrome; Neoplastic Syndromes, Hereditary; Hereditary neoplastic syndrome. Identifiers: Orphanet 140162, MedGen C0027672, MeSH D009386, MONDO:0015356.

Submission:

Ambry Genetics
Classification: Pathogenic for Hereditary cancer-predisposing syndrome. Last evaluated: 2018-11-21. Review status: criteria provided, single submitter. Criteria: Ambry Variant Classification Scheme 2023. Collection method: clinical testing. Allele origin: germline.
Comment: The p.S279* pathogenic mutation (also known as c.836C>A), located in coding exon 7 of the FANCC gene, results from a C to A substitution at nucleotide position 836. This changes the amino acid from a serine to a stop codon within coding exon 7. This alteration is expected to result in loss of function by premature protein truncation or nonsense-mediated mRNA decay. As such, this alteration is interpreted as a disease-causing mutation.